The following is an entry in ClinVar:

NM_016363.5(GP6):c.50G>A (p.Arg17His)

Gene: GP6 (glycoprotein VI platelet; minus strand). Cytogenetic location: 19q13.42.
Variant type: single nucleotide variant.
Coding change: c.50G>A on transcript NM_016363.5 (MANE Select); coding-DNA position 50, G replaced by A.
Protein change: p.Arg17His; replaces arginine 17 with histidine.
Molecular consequence: missense variant.
Genome position (GRCh38, 1-based): chr19:55,032,523, C>T on the plus strand (G>A on the coding strand, the complement: GP6 is on the minus strand). VCF-style: chr19-55032523-C-T. GRCh37 (hg19) VCF-style: chr19-55543891-C-T.
Other names: c.50G>A, p.Arg17His (NM_001083899.2, NM_001256017.2); short protein forms R17H.
Identifiers: ClinVar variation 3641798 (VCV003641798.1).

ClinVar aggregate classification (germline): Uncertain significance (1 of 4 stars; one submission).

gnomAD v4.1: 115 of 1,613,718 alleles (0.0071%); highest among the groups gnomAD compares: Middle Eastern, 0.033%; no homozygotes.

Submission:

Labcorp Genetics (formerly Invitae), Labcorp
Classification: Uncertain significance. Last evaluated: 2024-09-03. Review status: criteria provided, single submitter. Criteria: Invitae Variant Classification Sherloc (09022015). Collection method: clinical testing. Allele origin: germline.
Comment: This sequence change replaces arginine, which is basic and polar, with histidine, which is basic and polar, at codon 17 of the GP6 protein (p.Arg17His). This variant is present in population databases (rs773349443, gnomAD 0.006%). This variant has not been reported in the literature in individuals affected with GP6-related conditions. An algorithm developed to predict the effect of missense changes on protein structure and function outputs the following: PolyPhen-2: "Benign". The histidine amino acid residue is found in multiple mammalian species, which suggests that this missense change does not adversely affect protein function. In summary, the available evidence is currently insufficient to determine the role of this variant in disease. Therefore, it has been classified as a Variant of Uncertain Significance.